The following is an entry in ClinVar:

NM_020911.2(PLXNA4):c.573G>C (p.Gly191=)

Gene: PLXNA4 (plexin A4; minus strand). Cytogenetic location: 7q32.3.
Variant type: single nucleotide variant.
Coding change: c.573G>C on transcript NM_020911.2 (MANE Select); coding-DNA position 573, G replaced by C.
Protein change: p.Gly191=; no amino-acid change (glycine 191 retained).
Molecular consequence: synonymous variant.
Genome position (GRCh38, 1-based): chr7:132,508,121, C>G on the plus strand (G>C on the coding strand, the complement: PLXNA4 is on the minus strand). VCF-style: chr7-132508121-C-G. GRCh37 (hg19) VCF-style: chr7-132192880-C-G.
Other names: c.573G>C, p.Gly191= (NM_001105543.2, NM_001393897.1, NM_181775.4).
Identifiers: ClinVar variation 3351096 (VCV003351096.1).

ClinVar aggregate classification (germline): Likely benign (0 of 4 stars; one submission).

Conditions:
PLXNA4-related disorder. Also called: PLXNA4-related condition.

gnomAD v4.1: 4 of 1,614,208 alleles (0.00025%); highest among the groups gnomAD compares: Non-Finnish European, 0.00034%; no homozygotes.

Submission:

PreventionGenetics, part of Exact Sciences
Classification: Likely benign for PLXNA4-related condition. Last evaluated: 2022-09-01. Review status: no assertion criteria provided. Collection method: clinical testing. Allele origin: germline.
Comment: This variant is classified as likely benign based on ACMG/AMP sequence variant interpretation guidelines (Richards et al. 2015 PMID: 25741868, with internal and published modifications).